The following is an entry in ClinVar:

NM_004991.4(MECOM):c.2690C>A (p.Pro897His)

Gene: MECOM (MDS1 and EVI1 complex locus; minus strand). Cytogenetic location: 3q26.2.
Variant type: single nucleotide variant.
Coding change: c.2690C>A on transcript NM_004991.4 (MANE Select); coding-DNA position 2690, C replaced by A.
Protein change: p.Pro897His; replaces proline 897 with histidine.
Molecular consequence: missense variant.
Genome position (GRCh38, 1-based): chr3:169,102,141, G>T on the plus strand (C>A on the coding strand, the complement: MECOM is on the minus strand). VCF-style: chr3-169102141-G-T. GRCh37 (hg19) VCF-style: chr3-168819929-G-T.
Other names: c.2321C>A, p.Pro774His (NM_001105077.4); c.2126C>A, p.Pro709His (NM_001105078.4, NM_001205194.2, NM_001366469.2 and 1 more transcripts); c.2102C>A, p.Pro701His (NM_001163999.2, NM_001366470.2); c.2099C>A, p.Pro700His (NM_001164000.2, NM_001366471.2, NM_001366472.2); c.2663C>A, p.Pro888His (NM_001366466.2); c.2129C>A, p.Pro710His (NM_001366467.2, NM_001366468.2); c.1691C>A, p.Pro564His (NM_001366473.2); c.1127C>A, p.Pro376His (NM_001366474.2); short protein forms P376H, P564H, P701H, P774H, P888H, P710H, P897H, P700H.
Identifiers: ClinVar variation 5024214 (VCV005024214.1).

ClinVar aggregate classification (germline): Uncertain significance (1 of 4 stars; one submission).

Conditions:
Inborn genetic diseases. Identifiers: MedGen C0950123, MeSH D030342.

Submission:

Ambry Genetics
Classification: Uncertain significance for Inborn genetic diseases. Last evaluated: 2026-09-06. Review status: criteria provided, single submitter. Criteria: Ambry Variant Classification Scheme 2023. Collection method: clinical testing. Allele origin: germline.
Comment: The p.P897H variant (also known as c.2690C>A), located in coding exon 11 of the MECOM gene, results from a C to A substitution at nucleotide position 2690. The proline at codon 897 is replaced by histidine, an amino acid with similar properties. This amino acid position is conserved. In addition, this alteration is predicted to be tolerated by in silico analysis. Based on the available evidence, the clinical significance of this variant remains unclear.